The following is an entry in ClinVar:

NM_002972.4(SBF1):c.2620C>T (p.Arg874Trp)

Gene: SBF1 (SET binding factor 1; minus strand). Cytogenetic location: 22q13.33.
Variant type: single nucleotide variant.
Coding change: c.2620C>T on transcript NM_002972.4 (MANE Select); coding-DNA position 2620, C replaced by T.
Protein change: p.Arg874Trp; replaces arginine 874 with tryptophan.
Molecular consequence: missense variant.
Genome position (GRCh38, 1-based): chr22:50,461,819, G>A on the plus strand (C>T on the coding strand, the complement: SBF1 is on the minus strand). VCF-style: chr22-50461819-G-A. GRCh37 (hg19) VCF-style: chr22-50900248-G-A.
Other names: c.2623C>T, p.Arg875Trp (NM_001365819.1); short protein forms R874W, R875W.
Identifiers: ClinVar variation 1432682 (VCV001432682.4), dbSNP rs1246195775, ClinGen allele CA412208685.

ClinVar aggregate classification (germline): Uncertain significance (1 of 4 stars; one submission).

Allele frequency attached by ClinVar (database versions not stated): gnomAD exomes 0.00001.
gnomAD v4.1: 16 of 1,613,606 alleles (0.00099%); highest among the groups gnomAD compares: Middle Eastern, 0.033%; no homozygotes.

Submission:

Labcorp Genetics (formerly Invitae), Labcorp
Classification: Uncertain significance. Last evaluated: 2022-07-19. Review status: criteria provided, single submitter. Criteria: Invitae Variant Classification Sherloc (09022015). Collection method: clinical testing. Allele origin: germline.
Comment: This sequence change replaces arginine, which is basic and polar, with tryptophan, which is neutral and slightly polar, at codon 874 of the SBF1 protein (p.Arg874Trp). This variant is present in population databases (no rsID available, gnomAD 0.003%). In summary, the available evidence is currently insufficient to determine the role of this variant in disease. Therefore, it has been classified as a Variant of Uncertain Significance. Algorithms developed to predict the effect of missense changes on protein structure and function are either unavailable or do not agree on the potential impact of this missense change (SIFT: "Deleterious"; PolyPhen-2: "Possibly Damaging"; Align-GVGD: "Class C0"). ClinVar contains an entry for this variant (Variation ID: 1432682). This variant has not been reported in the literature in individuals affected with SBF1-related conditions.